The following is an entry in ClinVar:

ClinVar aggregate classification (germline): Uncertain significance (1 of 4 stars; one submission).

Conditions:
Familial thoracic aortic aneurysm and aortic dissection (TAAD). Also called: Thoracic aortic aneurysms and dissections. Identifiers: Orphanet 91387, MedGen C4707243, MONDO:0019625.

gnomAD v4.1: 1 of 1,611,966 alleles (0.000062%); highest among the groups gnomAD compares: Non-Finnish European, 0.000085%; no homozygotes.

Submission:

Ambry Genetics
Classification: Uncertain significance for Familial thoracic aortic aneurysm and aortic dissection. Last evaluated: 2025-02-13. Review status: criteria provided, single submitter. Criteria: Ambry Variant Classification Scheme 2023. Collection method: clinical testing. Allele origin: germline.
Comment: The p.K916N variant (also known as c.2748G>C), located in coding exon 21 of the MYH11 gene, results from a G to C substitution at nucleotide position 2748. The lysine at codon 916 is replaced by asparagine, an amino acid with similar properties. This amino acid position is conserved. In addition, the in silico prediction for this alteration is inconclusive. Based on the available evidence, the clinical significance of this variant remains unclear.

NM_002474.3(MYH11):c.2748G>C (p.Lys916Asn)

Gene: MYH11 (myosin heavy chain 11; minus strand). Cytogenetic location: 16p13.11.
Variant type: single nucleotide variant.
Coding change: c.2748G>C on transcript NM_002474.3 (MANE Select); coding-DNA position 2748, G replaced by C.
Protein change: p.Lys916Asn; replaces lysine 916 with asparagine.
Molecular consequence: missense variant.
Genome position (GRCh38, 1-based): chr16:15,741,574, C>G on the plus strand (G>C on the coding strand, the complement: MYH11 is on the minus strand). VCF-style: chr16-15741574-C-G. GRCh37 (hg19) VCF-style: chr16-15835431-C-G.
Other names: c.2769G>C, p.Lys923Asn (NM_001040113.2, NM_001040114.2); c.2748G>C, p.Lys916Asn (NM_022844.3); short protein forms K916N, K923N.
Identifiers: ClinVar variation 3876299 (VCV003876299.1).